The following is an entry in ClinVar:

NM_006432.5(NPC2):c.184_185del (p.Thr62fs)

Gene: NPC2 (NPC intracellular cholesterol transporter 2; minus strand). Cytogenetic location: 14q24.3.
Variant type: Deletion.
Coding change: c.184_185del on transcript NM_006432.5 (MANE Select); coding-DNA positions 184 to 185, 2 bases deleted (AC; older notation c.184_185delAC).
Protein change: p.Thr62fs; shifts the reading frame from threonine 62.
Molecular consequence: frameshift variant.
Genome position (GRCh38, 1-based): chr14:74,486,334-74,486,335, GT deleted on the plus strand (AC on the coding strand, the reverse complement: NPC2 is on the minus strand); deleting any 2 consecutive bases within chr14:74,486,334-74,486,336 gives the same sequence; the c. name uses the placement nearest the transcript's 3' end. VCF-style (leftmost placement, unchanged base first): chr14-74486333-GGT-G. GRCh37 (hg19) VCF-style: chr14-74953036-GGT-G.
Other names: c.184_185del, p.Thr62fs (NM_001363688.1, NM_001375440.1); short protein forms T62fs.
Identifiers: ClinVar variation 1725468 (VCV001725468.2), dbSNP rs2506107075, ClinGen allele CA2580088729.
Genomic context (GRCh38, chr14:74,486,333, plus strand): 5'-TTGATATTTAGGTTATGCTGTAACATGAATTTGAGTTAAGAGCCACTTTTACGCACTGCT[GGT>G]GAAGGTGACATTGACGCTGTAAGACTGTCCTTTGCTCAGCTGGCAGGGTTGGGTGGGGCA-3'

ClinVar aggregate classification (germline): Likely pathogenic (1 of 4 stars; one submission).

Conditions:
Niemann-Pick disease, type C2 (NPC2). Identifiers: Orphanet 646, MedGen C1843366, MONDO:0011873, OMIM 607625.

Submission:

Myriad Genetics, Inc.
Classification: Likely pathogenic for Niemann-Pick disease, type C2. Last evaluated: 2022-03-27. Review status: criteria provided, single submitter. Criteria: Myriad Women's Health Autosomal Recessive and X-Linked Classification Criteria (2021). Collection method: clinical testing. Allele origin: unknown.
Comment: NM_006432.3(NPC2):c.184_185delAC(T62Qfs*6) is expected to be pathogenic in the context of Niemann-Pick disease type C2. This variant is predicted to lead to an abnormal or absent protein product due to the creation of a premature termination codon in NPC2, a gene where loss-of-function variants are known to be pathogenic. Please note: this variant was assessed in the context of healthy population screening.